The following is an entry in ClinVar:

ClinVar aggregate classification (germline): Likely benign (1 of 4 stars; one submission).

gnomAD v4.1: 1 of 1,614,118 alleles (0.000062%); highest among the groups gnomAD compares: Admixed American, 0.0017%; no homozygotes.

Submission:

CeGaT Center for Human Genetics Tuebingen
Classification: Likely benign. Last evaluated: 2026-08-01. Review status: criteria provided, single submitter. Criteria: CeGaT Center For Human Genetics Tuebingen Variant Classification Criteria Version 2. Collection method: clinical testing. Allele origin: germline. Affected: yes. Observed: 1 variant allele.
Comment: ANTXR1: BP4, BP7

NM_032208.3(ANTXR1):c.1344T>C (p.Ser448=)

Gene: ANTXR1 (ANTXR cell adhesion molecule 1; plus strand). Cytogenetic location: 2p13.3.
Variant type: single nucleotide variant.
Coding change: c.1344T>C on transcript NM_032208.3 (MANE Select); coding-DNA position 1344, T replaced by C.
Protein change: p.Ser448=; no amino-acid change (serine 448 retained).
Molecular consequence: synonymous variant.
Genome position (GRCh38, 1-based): chr2:69,182,651, T>C. VCF-style: chr2-69182651-T-C. GRCh37 (hg19) VCF-style: chr2-69409783-T-C.
Identifiers: ClinVar variation 5040656 (VCV005040656.1).
Genomic context (GRCh38, chr2:69,182,651, plus strand): 5'-TGAGCCGCGAAATCTCAACAACAATATGCGTCGGCCTTCTTCCCCCCGGAAGTGGTACTC[T>C]CCAATCAAGGTGTGTCTCTTTACTCAAAAAATCTATCATCAGTCCTGATAAAACACTTAC-3'
Protein context (NP_115584.1, residues 438-458): RRPSSPRKWY[Ser448=]PIKGKLDALW